The following is an entry in ClinVar:

NM_144997.7(FLCN):c.633G>C (p.Glu211Asp)

Gene: FLCN (folliculin; minus strand). Cytogenetic location: 17p11.2.
Variant type: single nucleotide variant.
Coding change: c.633G>C on transcript NM_144997.7 (MANE Select); coding-DNA position 633, G replaced by C.
Protein change: p.Glu211Asp; replaces glutamic acid 211 with aspartic acid.
Molecular consequence: missense variant.
Genome position (GRCh38, 1-based): chr17:17,222,647, C>G on the plus strand (G>C on the coding strand, the complement: FLCN is on the minus strand). VCF-style: chr17-17222647-C-G. GRCh37 (hg19) VCF-style: chr17-17125961-C-G.
Other names: c.687G>C, p.Glu229Asp (NM_001353229.2); c.633G>C, p.Glu211Asp (NM_001353230.2, NM_001353231.2, NM_144606.7); c.633G>C (LRG_325t1); short protein forms E211D, E229D.
Identifiers: ClinVar variation 232693 (VCV000232693.14), dbSNP rs876659927, ClinGen allele CA10580172.

ClinVar aggregate classification (germline): Uncertain significance. Review status: criteria provided, multiple submitters, no conflicts (2 of 4 stars). 2 submissions from 2 submitters: Uncertain significance (2). Last evaluated 2026-01-28.

Conditions:
Hereditary cancer-predisposing syndrome. Also called: Hereditary Cancer Syndrome; Neoplastic Syndromes, Hereditary; Tumor predisposition; Hereditary neoplastic syndrome. Identifiers: Orphanet 140162, MedGen C0027672, MeSH D009386, MONDO:0015356.
Birt-Hogg-Dube syndrome. Also called: Birt Hogg Dubé syndrome. Identifiers: Orphanet 122, MedGen C0346010, MONDO:0800444.

Allele frequency attached by ClinVar (database versions not stated): gnomAD exomes below 0.00001; TOPMed below 0.00001.
gnomAD v4.1: 2 of 1,614,210 alleles (0.00012%); highest among the groups gnomAD compares: East Asian, 0.0022%; no homozygotes.

Submissions (2):

Labcorp Genetics (formerly Invitae), Labcorp
Classification: Uncertain significance for Birt-Hogg-Dube syndrome. Last evaluated: 2026-01-28. Review status: criteria provided, single submitter. Criteria: Invitae Variant Classification Sherloc (09022015). Collection method: clinical testing. Allele origin: germline.
Comment: This sequence change replaces glutamic acid, which is acidic and polar, with aspartic acid, which is acidic and polar, at codon 211 of the FLCN protein (p.Glu211Asp). This variant is present in population databases (no rsID available, gnomAD 0.003%). This variant has not been reported in the literature in individuals affected with FLCN-related conditions. ClinVar contains an entry for this variant (Variation ID: 232693). Invitae Evidence Modeling of protein sequence and biophysical properties (such as structural, functional, and spatial information, amino acid conservation, physicochemical variation, residue mobility, and thermodynamic stability) indicates that this missense variant is not expected to disrupt FLCN protein function with a negative predictive value of 80%. In summary, the available evidence is currently insufficient to determine the role of this variant in disease. Therefore, it has been classified as a Variant of Uncertain Significance.

Ambry Genetics
Classification: Uncertain significance for Hereditary cancer-predisposing syndrome. Last evaluated: 2023-06-20. Review status: criteria provided, single submitter. Criteria: Ambry Variant Classification Scheme 2023. Collection method: clinical testing. Allele origin: germline.
Comment: The p.E211D variant (also known as c.633G>C), located in coding exon 4 of the FLCN gene, results from a G to C substitution at nucleotide position 633. The glutamic acid at codon 211 is replaced by aspartic acid, an amino acid with highly similar properties. This amino acid position is highly conserved in available vertebrate species. In addition, the in silico prediction for this alteration is inconclusive. Since supporting evidence is limited at this time, the clinical significance of this alteration remains unclear.